The following is an entry in ClinVar:

ClinVar aggregate classification (germline): Uncertain significance. Review status: criteria provided, multiple submitters, no conflicts (2 of 4 stars). 2 submissions from 2 submitters: Uncertain significance (2). Last evaluated 2025-02-10.

Conditions:
Arrhythmogenic right ventricular dysplasia 8 (ARVD8). Also called: Arrhythmogenic Right Ventricular Dysplasia/Cardiomyopathy 8; ARRHYTHMOGENIC RIGHT VENTRICULAR DYSPLASIA, FAMILIAL, 8; ARRHYTHMOGENIC RIGHT VENTRICULAR CARDIOMYOPATHY 8. Identifiers: MedGen C1843896, MONDO:0011831, OMIM 607450.
Arrhythmogenic cardiomyopathy with wooly hair and keratoderma. Also called: PALMOPLANTAR KERATODERMA WITH LEFT VENTRICULAR CARDIOMYOPATHY AND WOOLLY HAIR; Carvajal syndrome; Dilated cardiomyopathy with woolly hair and keratoderma; Arrhythmogenic cardiomyopathy with woolly hair and keratoderma. Identifiers: Orphanet 65282, MedGen C1854063, MONDO:0011581, OMIM 605676.
Cardiomyopathy (CMYO). Also called: Cardiomyopathies. Identifiers: Orphanet 167848, MedGen C0878544, MONDO:0004994, HP:0001638. Inheritance: Various modes of inheritance.

Allele frequency attached by ClinVar (database versions not stated): gnomAD 0.00001; TOPMed 0.00001.
gnomAD v4.1: 1 of 1,614,064 alleles (0.000062%); highest among the groups gnomAD compares: African/African-American, 0.0013%; no homozygotes.

Submissions (2):

Labcorp Genetics (formerly Invitae), Labcorp
Classification: Uncertain significance for Arrhythmogenic cardiomyopathy with wooly hair and keratoderma; Arrhythmogenic right ventricular dysplasia 8. Last evaluated: 2025-02-10. Review status: criteria provided, single submitter. Criteria: Invitae Variant Classification Sherloc (09022015). Collection method: clinical testing. Allele origin: germline.
Comment: This sequence change replaces glutamine, which is neutral and polar, with proline, which is neutral and non-polar, at codon 1531 of the DSP protein (p.Gln1531Pro). This variant is not present in population databases (gnomAD no frequency). This variant has not been reported in the literature in individuals affected with DSP-related conditions. ClinVar contains an entry for this variant (Variation ID: 921402). An algorithm developed to predict the effect of missense changes on protein structure and function (PolyPhen-2) suggests that this variant is likely to be tolerated. In summary, the available evidence is currently insufficient to determine the role of this variant in disease. Therefore, it has been classified as a Variant of Uncertain Significance.

Color Diagnostics, LLC DBA Color Health
Classification: Uncertain significance for Cardiomyopathy. Last evaluated: 2024-03-07. Review status: criteria provided, single submitter. Criteria: ACMG Guidelines, 2015. Collection method: clinical testing. Allele origin: germline.
Comment: This missense variant replaces glutamine with proline at codon 1531 of the DSP protein. Computational prediction suggests that this variant may not impact protein structure and function (internally defined REVEL score threshold <= 0.5, PMID: 27666373). Splice site prediction tools suggest that this variant may not impact RNA splicing. To our knowledge, functional studies have not been performed for this variant. This variant has not been reported in individuals affected with cardiovascular disorders in the literature. This variant has not been identified in the general population by the Genome Aggregation Database (gnomAD). The available evidence is insufficient to determine the role of this variant in disease conclusively. Therefore, this variant is classified as a Variant of Uncertain Significance.

NM_004415.4(DSP):c.4592A>C (p.Gln1531Pro)

Gene: DSP (desmoplakin; plus strand). Cytogenetic location: 6p24.3.
Variant type: single nucleotide variant.
Coding change: c.4592A>C on transcript NM_004415.4 (MANE Select); coding-DNA position 4592, A replaced by C.
Protein change: p.Gln1531Pro; replaces glutamine 1531 with proline.
Molecular consequence: missense variant. On other transcripts: intron variant (2).
Genome position (GRCh38, 1-based): chr6:7,580,782, A>C. VCF-style: chr6-7580782-A-C. GRCh37 (hg19) VCF-style: chr6-7581015-A-C.
Other names: c.4050+542A>C (NM_001319034.2); c.3582+1010A>C (NM_001008844.3); short protein forms Q1531P.
Identifiers: ClinVar variation 921402 (VCV000921402.7), dbSNP rs1208037043, ClinGen allele CA362686670.
Genomic context (GRCh38, chr6:7,580,782, plus strand): 5'-AGTATGACCTGCAGAAAGCAAACAGTAGTGCGACGGAGACAATAAACAAACTGAAGGTTC[A>C]GGAGCAAGAACTGACACGCCTGAGGATCGACTATGAAAGGGTTTCCCAGGAGAGGACTGT-3'
Protein context (NP_004406.2, residues 1521-1541): ATETINKLKV[Gln1531Pro]EQELTRLRID